The following is an entry in ClinVar:

ClinVar aggregate classification (germline): Benign. Review status: reviewed by expert panel (3 of 4 stars). 2 submissions from 2 submitters: Benign (1). 1 of the submissions does not count toward it. Last evaluated 2015-01-12.

Conditions:
Breast-ovarian cancer, familial, susceptibility to, 1 (BROVCA1). Also called: BRCA1 Hereditary Breast and Ovarian Cancer; OVARIAN CANCER, SUSCEPTIBILITY TO. Identifiers: Orphanet 145, MedGen C2676676, MONDO:0011450, OMIM 604370. Disease mechanism: loss of function.

Allele frequency attached by ClinVar (database versions not stated): TOPMed 0.11517; gnomAD 0.12209 and 0.12777; 1000 Genomes Project 30x 0.13788; 1000 Genomes Project 0.14397.
gnomAD v4.1: 19,510 of 151,834 alleles (13%); highest among the groups gnomAD compares: South Asian, 30%; 1,619 homozygotes.

Submissions (2):

Evidence-based Network for the Interpretation of Germline Mutant Alleles (ENIGMA)
Classification: Benign for Breast-ovarian cancer, familial 1. Last evaluated: 2015-01-12. Review status: reviewed by expert panel. Criteria: ENIGMA BRCA1/2 Classification Criteria (2015). Collection method: curation. Allele origin: germline.
Comment: Class 1 not pathogenic based on frequency >1% in an outbred sampleset. Frequency 0.07692 (Asian), 0.02236 (African), 0.1966 (European), derived from 1000 genomes (2012-04-30).

Breakthrough Genomics
Classification: Benign. Review status: criteria provided, single submitter. Criteria: ACMG Guidelines, 2015. Collection method: not provided. Allele origin: germline. Inheritance: Autosomal recessive inheritance. Affected: yes. Not counted in ClinVar's aggregate classification.

NM_007294.4(BRCA1):c.4357+1723G>A

Gene: BRCA1 (BRCA1 DNA repair associated; minus strand). Cytogenetic location: 17q21.31.
Variant type: single nucleotide variant.
Coding change: c.4357+1723G>A on transcript NM_007294.4 (MANE Select); 1723 bases into the intron after coding-DNA position 4357, G replaced by A.
Molecular consequence: intron variant.
Genome position (GRCh38, 1-based): chr17:43,080,681, C>T on the plus strand (G>A on the coding strand, the complement: BRCA1 is on the minus strand). VCF-style: chr17-43080681-C-T. GRCh37 (hg19) VCF-style: chr17-41232698-C-T.
Other names: IVS 13+1723G>A; c.907+1723G>A (NM_001408458.1, NM_001408453.1, NM_001408461.1 and 7 more transcripts); c.3469+1723G>A (NM_001407967.1, NM_001407966.1); c.3976+1723G>A (NM_001407959.1, NM_001407960.1); c.4090+1723G>A (NM_001407931.1, NM_001407932.1, NM_001407935.1 and 3 more transcripts); c.4213+1723G>A (NM_001407747.1, NM_001407839.1, NM_001407745.1 and 23 more transcripts); c.3973+1723G>A (NM_001407962.1, NM_001407963.1); c.544+1723G>A (NM_001408512.1); and 61 more.
Identifiers: ClinVar variation 209404 (VCV000209404.3), dbSNP rs8176190, ClinGen allele CA276376.
Genomic context (GRCh38, chr17:43,080,681, plus strand): 5'-ATAGGGAGACCTTGTCTCTACAAAAAATAAAAAAAAAAATTAGCTGGGTATGGTGGTGGA[C>T]GCCTATAGTCCCAGCTACTTGGGAGGCTAAGGCAGGAGGATCGCTTGAGGAGGTCGAGAG-3'